The following is an entry in ClinVar:

NM_001370259.2(MEN1):c.535G>A (p.Glu179Lys)

Gene: MEN1 (menin 1; minus strand). Cytogenetic location: 11q13.1.
Variant type: single nucleotide variant.
Coding change: c.535G>A on transcript NM_001370259.2 (MANE Select); coding-DNA position 535, G replaced by A.
Protein change: p.Glu179Lys; replaces glutamic acid 179 with lysine.
Molecular consequence: missense variant.
Genome position (GRCh38, 1-based): chr11:64,808,010, C>T on the plus strand (G>A on the coding strand, the complement: MEN1 is on the minus strand). VCF-style: chr11-64808010-C-T. GRCh37 (hg19) VCF-style: chr11-64575482-C-T.
Other names: c.550G>A, p.Glu184Lys (NM_000244.4, NM_130800.3, NM_130801.3 and 3 more transcripts); c.535G>A, p.Glu179Lys (NM_001370251.2, NM_001370260.2, NM_001370261.2 and 3 more transcripts); short protein forms E179K, E184K.
Identifiers: ClinVar variation 418290 (VCV000418290.6), dbSNP rs1064793167, ClinGen allele CA16619365.

ClinVar aggregate classification (germline): Pathogenic/Likely pathogenic. Review status: criteria provided, multiple submitters, no conflicts (2 of 4 stars). 3 submissions from 3 submitters: Pathogenic (2); Likely pathogenic (1). Last evaluated 2025-07-22.

Conditions:
Hereditary cancer-predisposing syndrome. Also called: Tumor predisposition; Neoplastic Syndromes, Hereditary; Hereditary Cancer Syndrome; Hereditary neoplastic syndrome. Identifiers: Orphanet 140162, MedGen C0027672, MeSH D009386, MONDO:0015356.
Multiple endocrine neoplasia, type 1 (MEN1). Also called: MEN I; WERMER SYNDROME; Endocrine adenomatosis multiple; MEN 1; MEA I. Identifiers: Orphanet 652, MedGen C0025267, MeSH D018761, MONDO:0007540, OMIM 131100.

Submissions (3):

Ambry Genetics
Classification: Pathogenic for Hereditary cancer-predisposing syndrome. Last evaluated: 2025-07-22. Review status: criteria provided, single submitter. Criteria: Ambry Variant Classification Scheme 2023. Collection method: clinical testing. Allele origin: germline.
Comment: The p.E179K pathogenic mutation (also known as c.535G>A), located in coding exon 2 of the MEN1 gene, results from a G to A substitution at nucleotide position 535. The glutamic acid at codon 179 is replaced by lysine, an amino acid with similar properties. This variant was reported in individual(s) with features consistent with Multiple endocrine neoplasia type 1 (Weinhaeusel A et al. Hum Mutat, 2000 Dec;16:533, Shariq OA et al. Surgery, 2022 Jan;171:77-87). This alteration was detected in at least one individual from a cohort of German patients meeting MEN1 clinical diagnostic criteria (Schaaf L et al. Exp Clin Endocrinol Diabetes, 2007 Sep;115:509-17). This amino acid position is highly conserved in available vertebrate species. In addition, this alteration is predicted to be deleterious by in silico analysis. This variant is considered to be rare based on population cohorts in the Genome Aggregation Database (gnomAD). Based on the supporting evidence, this variant is interpreted as a disease-causing mutation.

Labcorp Genetics (formerly Invitae), Labcorp
Classification: Pathogenic for Multiple endocrine neoplasia, type 1. Last evaluated: 2024-04-22. Review status: criteria provided, single submitter. Criteria: Invitae Variant Classification Sherloc (09022015). Collection method: clinical testing. Allele origin: germline.
Comment: This sequence change replaces glutamic acid, which is acidic and polar, with lysine, which is basic and polar, at codon 179 of the MEN1 protein (p.Glu179Lys). This variant is not present in population databases (gnomAD no frequency). This missense change has been observed in individual(s) with multiple endocrine neoplasia type 1 (PMID: 11102994). ClinVar contains an entry for this variant (Variation ID: 418290). Advanced modeling of protein sequence and biophysical properties (such as structural, functional, and spatial information, amino acid conservation, physicochemical variation, residue mobility, and thermodynamic stability) performed at Invitae indicates that this missense variant is expected to disrupt MEN1 protein function with a positive predictive value of 95%. This variant disrupts the p.Glu179 amino acid residue in MEN1. Other variant(s) that disrupt this residue have been determined to be pathogenic (PMID: 9888389; Invitae). This suggests that this residue is clinically significant, and that variants that disrupt this residue are likely to be disease-causing. For these reasons, this variant has been classified as Pathogenic.

GeneDx
Classification: Likely pathogenic. Last evaluated: 2015-09-30. Review status: criteria provided, single submitter. Criteria: GeneDx Variant Classification (06012015). Collection method: clinical testing. Allele origin: germline. Affected: yes.
Comment: The E179K variant has been published previously in an affected father and son in association with multiple endocrine neoplasia type 1 (Weinhausel et al., 2000). It was not observed in approximately 6,400 individuals of European and African American ancestry in the NHLBI Exome Sequencing Project, indicating it is not a common benign variant in these populations. E179K is a non-conservative amino acid substitution, which is likely to impact secondary protein structure as these residues differ in polarity, charge, size and/or other properties. This substitution occurs at a position that is conserved across species and in-silico analysis predicts this variant is probably damaging to the protein structure/function. In addition, missense variants at the same codon (E179D/Q) and in nearby residues (L175R, A176P, L177P, D180A, H181R, W183R/S, V184E) have been reported in the Human Gene Mutation Database in association with multiple endocrine neoplasia type 1 (Stenson et al., 2014), supporting the functional importance of this region of the protein. Therefore, this variant is likely pathogenic; however, the possibility that it is benign cannot be excluded.

Literature cited by the submitters: PubMed 11102994 (cited by Ambry Genetics and Labcorp Genetics (formerly Invitae), Labcorp); PubMed 17853334 (cited by Ambry Genetics); PubMed 34183184 (cited by Ambry Genetics); PubMed 9888389 (cited by Labcorp Genetics (formerly Invitae), Labcorp).